The following is an entry in ClinVar:

NM_020987.5(ANK3):c.5187A>C (p.Ser1729=)

Gene: ANK3 (ankyrin 3; minus strand). Cytogenetic location: 10q21.2.
Variant type: single nucleotide variant.
Coding change: c.5187A>C on transcript NM_020987.5 (MANE Select); coding-DNA position 5187, A replaced by C.
Protein change: p.Ser1729=; no amino-acid change (serine 1729 retained).
Molecular consequence: synonymous variant. On other transcripts: intron variant (4).
Genome position (GRCh38, 1-based): chr10:60,075,694, T>G on the plus strand (A>C on the coding strand, the complement: ANK3 is on the minus strand). VCF-style: chr10-60075694-T-G. GRCh37 (hg19) VCF-style: chr10-61835452-T-G.
Other names: c.4387+4843A>C (NM_001204403.2); c.4408+4843A>C (NM_001204404.2); c.4405+4843A>C (NM_001320874.2); c.1807+4843A>C (NM_001149.4).
Identifiers: ClinVar variation 4822873 (VCV004822873.4).
Genomic context (GRCh38, chr10:60,075,694, plus strand): 5'-TGTAGCAGAAGAAATTTTTTCCTGTAACGTGGCAGTGGCTTTGCATCCATTAATTAAAGT[T>G]GAGGATGATGGATATTTTAGAGGGGAAATAGATCCATTGACTAATGCTACCTCTGCATGT-3'
Protein context (NP_066267.2, residues 1719-1739): SISPLKYPSS[Ser1729=]TLINGCKATA

ClinVar aggregate classification (germline): Likely benign (1 of 4 stars; one submission).

Submission:

CeGaT Center for Human Genetics Tuebingen
Classification: Likely benign. Last evaluated: 2026-01-01. Review status: criteria provided, single submitter. Criteria: CeGaT Center For Human Genetics Tuebingen Variant Classification Criteria Version 2. Collection method: clinical testing. Allele origin: germline. Affected: yes. Observed: 1 variant allele.
Comment: ANK3: PM2:Supporting, BP4, BP7